The following is an entry in ClinVar:

NM_014874.4(MFN2):c.2204+10G>T

Gene: MFN2 (mitofusin 2; plus strand). Cytogenetic location: 1p36.22.
Variant type: single nucleotide variant.
Coding change: c.2204+10G>T on transcript NM_014874.4 (MANE Select); 10 bases into the intron after coding-DNA position 2204, G replaced by T.
Molecular consequence: intron variant.
Genome position (GRCh38, 1-based): chr1:12,009,736, G>T. VCF-style: chr1-12009736-G-T. GRCh37 (hg19) VCF-style: chr1-12069793-G-T.
Other names: c.2204+10G>T (NM_001127660.2).
Identifiers: ClinVar variation 1086351 (VCV001086351.10), dbSNP rs1445631790, ClinGen allele CA521185245.

ClinVar aggregate classification (germline): Likely benign. Review status: criteria provided, multiple submitters, no conflicts (2 of 4 stars). 2 submissions from 2 submitters: Likely benign (2). Last evaluated 2024-12-05.

Conditions:
Charcot-Marie-Tooth disease type 2. Also called: Charcot-Marie-Tooth type 2. Identifiers: Orphanet 64746, MedGen C0270914, MONDO:0018993.

Allele frequency attached by ClinVar (database versions not stated): gnomAD 0.00001; TOPMed below 0.00001; gnomAD exomes below 0.00001 and 0.00001.
gnomAD v4.1: 4 of 1,614,032 alleles (0.00025%); highest among the groups gnomAD compares: Non-Finnish European, 0.00025%; no homozygotes.

Submissions (2):

Labcorp Genetics (formerly Invitae), Labcorp
Classification: Likely benign for Charcot-Marie-Tooth disease type 2. Last evaluated: 2024-12-05. Review status: criteria provided, single submitter. Criteria: Invitae Variant Classification Sherloc (09022015). Collection method: clinical testing. Allele origin: germline.

Women's Health and Genetics/Laboratory Corporation of America, LabCorp
Classification: Likely benign. Last evaluated: 2024-01-30. Review status: criteria provided, single submitter. Criteria: LabCorp Variant Classification Summary - May 2015. Collection method: clinical testing. Allele origin: germline.
Comment: Variant summary: MFN2 c.2204+10G>T alters a non-conserved nucleotide located at a position not widely known to affect splicing. Consensus agreement among computation tools predict no significant impact on normal splicing. However, these predictions have yet to be confirmed by functional studies. The variant allele was found at a frequency of 4e-06 in 250940 control chromosomes. The available data on variant occurrences in the general population are insufficient to allow any conclusion about variant significance. To our knowledge, no occurrence of c.2204+10G>T in individuals affected with Charcot-Marie Disease, Axonal, Autosomal Recessive, Type 2a2b and no experimental evidence demonstrating its impact on protein function have been reported. ClinVar contains an entry for this variant (Variation ID: 1086351). Based on the evidence outlined above, the variant was classified as likely benign.